The following is an entry in ClinVar:

NM_006015.6(ARID1A):c.369C>T (p.Gly123=)

Gene: ARID1A (AT-rich interaction domain 1A; plus strand). Cytogenetic location: 1p36.11.
Variant type: single nucleotide variant.
Coding change: c.369C>T on transcript NM_006015.6 (MANE Select); coding-DNA position 369, C replaced by T.
Protein change: p.Gly123=; no amino-acid change (glycine 123 retained).
Molecular consequence: synonymous variant.
Genome position (GRCh38, 1-based): chr1:26,696,772, C>T. VCF-style: chr1-26696772-C-T. GRCh37 (hg19) VCF-style: chr1-27023263-C-T.
Other names: c.369C>T, p.Gly123= (NM_139135.4).
Identifiers: ClinVar variation 2638525 (VCV002638525.24), dbSNP rs1427968958, ClinGen allele CA416989131.

ClinVar aggregate classification (germline): Likely benign (1 of 4 stars; one submission).

gnomAD v4.1: 2 of 1,342,572 alleles (0.00015%); highest among the groups gnomAD compares: Non-Finnish European, 0.00019%; no homozygotes.

Submission:

CeGaT Center for Human Genetics Tuebingen
Classification: Likely benign. Last evaluated: 2023-01-01. Review status: criteria provided, single submitter. Criteria: CeGaT Center For Human Genetics Tuebingen Variant Classification Criteria Version 2. Collection method: clinical testing. Allele origin: germline. Affected: yes. Observed: 1 variant allele.
Comment: ARID1A: PM2:Supporting, BP4, BP7